The following is an entry in ClinVar:

ClinVar aggregate classification (germline): Likely benign (1 of 4 stars; one submission).

gnomAD v4.1: 10 of 1,614,114 alleles (0.00062%); highest among the groups gnomAD compares: Non-Finnish European, 0.00085%; no homozygotes.

Submission:

CeGaT Center for Human Genetics Tuebingen
Classification: Likely benign. Last evaluated: 2026-04-01. Review status: criteria provided, single submitter. Criteria: CeGaT Center For Human Genetics Tuebingen Variant Classification Criteria Version 2. Collection method: clinical testing. Allele origin: germline. Affected: yes. Observed: 1 variant allele.
Comment: CTSH: BP4, BP7

NM_004390.5(CTSH):c.525C>T (p.Asp175=)

Gene: CTSH (cathepsin H; minus strand). Cytogenetic location: 15q25.1.
Variant type: single nucleotide variant.
Coding change: c.525C>T on transcript NM_004390.5 (MANE Select); coding-DNA position 525, C replaced by T.
Protein change: p.Asp175=; no amino-acid change (aspartic acid 175 retained).
Molecular consequence: synonymous variant.
Genome position (GRCh38, 1-based): chr15:78,931,474, G>A on the plus strand (C>T on the coding strand, the complement: CTSH is on the minus strand). VCF-style: chr15-78931474-G-A. GRCh37 (hg19) VCF-style: chr15-79223816-G-A.
Other names: c.123C>T, p.Asp41= (NM_001319137.2); c.411C>T, p.Asp137= (NM_001411095.1).
Identifiers: ClinVar variation 4873516 (VCV004873516.2).